The following is an entry in ClinVar:

ClinVar aggregate classification (germline): Likely benign (0 of 4 stars; one submission).

Conditions:
ARSF-related disorder. Also called: ARSF-related condition.

Allele frequency attached by ClinVar (database versions not stated): 1000 Genomes Project 30x 0.00021; 1000 Genomes Project 0.00026; ESP Exome Variant Server 0.00114; ExAC 0.00035; gnomAD 0.00108; TOPMed 0.00108.
gnomAD v4.1: 231 of 1,209,625 alleles (0.019%); highest among the groups gnomAD compares: African/African-American, 0.36%; no homozygotes.

Submission:

PreventionGenetics, part of Exact Sciences
Classification: Likely benign for ARSF-related condition. Last evaluated: 2019-04-26. Review status: no assertion criteria provided. Collection method: clinical testing. Allele origin: germline.
Comment: This variant is classified as likely benign based on ACMG/AMP sequence variant interpretation guidelines (Richards et al. 2015 PMID: 25741868, with internal and published modifications).

NM_001201539.2(ARSF):c.716C>A (p.Ser239Tyr)

Gene: ARSF (arylsulfatase F; plus strand). Cytogenetic location: Xp22.33.
Variant type: single nucleotide variant.
Coding change: c.716C>A on transcript NM_001201539.2 (MANE Select); coding-DNA position 716, C replaced by A.
Protein change: p.Ser239Tyr; replaces serine 239 with tyrosine.
Molecular consequence: missense variant.
Genome position (GRCh38, 1-based): chrX:3,084,552, C>A. VCF-style: chrX-3084552-C-A. GRCh37 (hg19) VCF-style: chrX-3002593-C-A.
Other names: c.716C>A, p.Ser239Tyr (NM_001201538.2, NM_004042.5); short protein forms S239Y.
Identifiers: ClinVar variation 3040847 (VCV003040847.2), dbSNP rs144309335, ClinGen allele CA10338938.